The following is an entry in ClinVar:

NM_014000.3(VCL):c.136G>A (p.Ala46Thr)

Genes: VCL (vinculin; plus strand), LOC130004109 (ATAC-STARR-seq lymphoblastoid active region 3587; plus strand). Cytogenetic location: 10q22.2.
Variant type: single nucleotide variant.
Coding change: c.136G>A on transcript NM_014000.3 (MANE Select); coding-DNA position 136, G replaced by A.
Protein change: p.Ala46Thr; replaces alanine 46 with threonine.
Molecular consequence: missense variant.
Genome position (GRCh38, 1-based): chr10:73,998,343, G>A. VCF-style: chr10-73998343-G-A. GRCh37 (hg19) VCF-style: chr10-75758101-G-A.
Other names: c.136G>A, p.Ala46Thr (NM_003373.4); short protein forms A46T.
Identifiers: ClinVar variation 2782911 (VCV002782911.4), dbSNP rs992545879, ClinGen allele CA209683608.

ClinVar aggregate classification (germline): Uncertain significance. Review status: criteria provided, multiple submitters, no conflicts (2 of 4 stars). 2 submissions from 2 submitters: Uncertain significance (2). Last evaluated 2024-03-15.

Conditions:
Dilated cardiomyopathy 1W (CMD1W). Identifiers: Orphanet 154, MedGen C1969639, MONDO:0012667, OMIM 611407.
Cardiovascular phenotype. Identifiers: MedGen CN230736.

Allele frequency attached by ClinVar (database versions not stated): gnomAD exomes below 0.00001; gnomAD 0.00001; TOPMed 0.00001.
gnomAD v4.1: 7 of 1,552,536 alleles (0.00045%); highest among the groups gnomAD compares: Non-Finnish European, 0.00044%; no homozygotes.

Submissions (2):

Ambry Genetics
Classification: Uncertain significance for Cardiovascular phenotype. Last evaluated: 2024-03-15. Review status: criteria provided, single submitter. Criteria: Ambry Variant Classification Scheme 2023. Collection method: clinical testing. Allele origin: germline.

Labcorp Genetics (formerly Invitae), Labcorp
Classification: Uncertain significance for Dilated cardiomyopathy 1W. Last evaluated: 2023-06-05. Review status: criteria provided, single submitter. Criteria: Invitae Variant Classification Sherloc (09022015). Collection method: clinical testing. Allele origin: germline.
Comment: The frequency data for this variant in the population databases is considered unreliable, as metrics indicate poor data quality at this position in the gnomAD database. This sequence change replaces alanine, which is neutral and non-polar, with threonine, which is neutral and polar, at codon 46 of the VCL protein (p.Ala46Thr). In summary, the available evidence is currently insufficient to determine the role of this variant in disease. Therefore, it has been classified as a Variant of Uncertain Significance. An algorithm developed to predict the effect of missense changes on protein structure and function (PolyPhen-2) suggests that this variant is likely to be tolerated. This variant has not been reported in the literature in individuals affected with VCL-related conditions.